The following is an entry in ClinVar:

ClinVar aggregate classification (germline): Uncertain significance (1 of 4 stars; one submission).

Allele frequency attached by ClinVar (database versions not stated): gnomAD exomes below 0.00001; ExAC 0.00001.

Submission:

Labcorp Genetics (formerly Invitae), Labcorp
Classification: Uncertain significance. Last evaluated: 2022-07-06. Review status: criteria provided, single submitter. Criteria: Invitae Variant Classification Sherloc (09022015). Collection method: clinical testing. Allele origin: germline.
Comment: This sequence change replaces tyrosine, which is neutral and polar, with cysteine, which is neutral and slightly polar, at codon 360 of the GPAA1 protein (p.Tyr360Cys). In summary, the available evidence is currently insufficient to determine the role of this variant in disease. Therefore, it has been classified as a Variant of Uncertain Significance. Algorithms developed to predict the effect of missense changes on protein structure and function are either unavailable or do not agree on the potential impact of this missense change (SIFT: "Deleterious"; PolyPhen-2: "Probably Damaging"; Align-GVGD: "Class C0"). This variant has not been reported in the literature in individuals affected with GPAA1-related conditions. This variant is present in population databases (rs782164394, gnomAD 0.007%).

NM_003801.4(GPAA1):c.1079A>G (p.Tyr360Cys)

Gene: GPAA1 (glycosylphosphatidylinositol anchor attachment 1; plus strand). Cytogenetic location: 8q24.3.
Variant type: single nucleotide variant.
Coding change: c.1079A>G on transcript NM_003801.4 (MANE Select); coding-DNA position 1079, A replaced by G.
Protein change: p.Tyr360Cys; replaces tyrosine 360 with cysteine.
Molecular consequence: missense variant.
Genome position (GRCh38, 1-based): chr8:144,084,790, A>G. VCF-style: chr8-144084790-A-G. GRCh37 (hg19) VCF-style: chr8-145139693-A-G.
Other names: short protein forms Y360C.
Identifiers: ClinVar variation 2000966 (VCV002000966.4), dbSNP rs782164394, ClinGen allele CA4933038.